The following is an entry in ClinVar:

NM_020975.6(RET):c.3236G>A (p.Arg1079Lys)

Gene: RET (ret proto-oncogene; plus strand). Cytogenetic location: 10q11.21.
Variant type: single nucleotide variant.
Coding change: c.3236G>A on transcript NM_020975.6 (MANE Select); coding-DNA position 3236, G replaced by A.
Protein change: p.Arg1079Lys; replaces arginine 1079 with lysine.
Molecular consequence: missense variant. On other transcripts: 3 prime UTR variant (18), intron variant (3).
Genome position (GRCh38, 1-based): chr10:43,128,160, G>A. VCF-style: chr10-43128160-G-A. GRCh37 (hg19) VCF-style: chr10-43623608-G-A.
Other names: c.2339G>A, p.Arg780Lys (NM_001406780.1, NM_001406779.1); c.*1406G>A (NM_001406782.1, NM_001406784.1, NM_001406785.1 and 15 more transcripts); c.2210G>A, p.Arg737Lys (NM_001406783.1); c.2051G>A, p.Arg684Lys (NM_001406788.1, NM_001406789.1); c.1787G>A, p.Arg596Lys (NM_001406792.1); c.1727G>A, p.Arg576Lys (NM_001406793.1); c.3188-1358G>A (NM_001406744.1); c.2291-1358G>A (NM_001406781.1); and 10 more; short protein forms R1034K, R1036K, R1059K, R1079K, R576K, R596K, R684K, R737K.
Identifiers: ClinVar variation 4757711 (VCV004757711.1).

ClinVar aggregate classification (germline): Uncertain significance (1 of 4 stars; one submission).

Conditions:
Multiple endocrine neoplasia, type 2 (MEN2). Identifiers: Orphanet 653, MedGen C4048306, MONDO:0019003. Disease mechanism: gain of function.

Submission:

Color Diagnostics, LLC DBA Color Health
Classification: Uncertain significance for Multiple endocrine neoplasia, type 2. Last evaluated: 2025-07-17. Review status: criteria provided, single submitter. Criteria: ACMG Guidelines, 2015. Collection method: clinical testing. Allele origin: germline.
Comment: This missense variant replaces arginine with lysine at codon 1079 of the RET protein. Computational prediction is inconclusive regarding the impact of this variant on protein structure and function. To our knowledge, functional studies have not been reported for this variant. This variant has not been reported in individuals affected with RET-related disorders in the literature. This variant has not been identified in the general population by the Genome Aggregation Database (gnomAD). The available evidence is insufficient to determine the role of this variant in disease conclusively. Therefore, this variant is classified as a Variant of Uncertain Significance.